The following is an entry in ClinVar:

NM_004370.6(COL12A1):c.8348G>A (p.Gly2783Asp)

Gene: COL12A1 (collagen type XII alpha 1 chain; minus strand). Cytogenetic location: 6q13.
Variant type: single nucleotide variant.
Coding change: c.8348G>A on transcript NM_004370.6 (MANE Select); coding-DNA position 8348, G replaced by A.
Protein change: p.Gly2783Asp; replaces glycine 2783 with aspartic acid.
Molecular consequence: missense variant.
Genome position (GRCh38, 1-based): chr6:75,102,664, C>T on the plus strand (G>A on the coding strand, the complement: COL12A1 is on the minus strand). VCF-style: chr6-75102664-C-T. GRCh37 (hg19) VCF-style: chr6-75812380-C-T.
Other names: c.8348G>A, p.Gly2783Asp (NM_001424113.1); c.8327G>A, p.Gly2776Asp (NM_001424114.1); c.8075G>A, p.Gly2692Asp (NM_001424115.1); c.4856G>A, p.Gly1619Asp (NM_001424116.1, NM_080645.3); short protein forms G1619D, G2692D, G2776D, G2783D.
Identifiers: ClinVar variation 3377403 (VCV003377403.1).

ClinVar aggregate classification (germline): Likely pathogenic (1 of 4 stars; one submission).

Conditions:
Bethlem myopathy 2 (BTHLM2). Identifiers: Orphanet 536516, Orphanet 610, MedGen C4225313, MONDO:0034022, OMIM 616471.

Submission:

Victorian Clinical Genetics Services, Murdoch Childrens Research Institute
Classification: Likely pathogenic for Bethlem myopathy 2. Last evaluated: 2022-09-02. Review status: criteria provided, single submitter. Criteria: ACMG Guidelines, 2015. Collection method: clinical testing. Allele origin: germline. Affected: yes.
Comment: Based on the classification scheme VCGS_Germline_v1.1.1, this variant is classified as Likely Pathogenic. Following criteria are met: 0102 - Loss-of-function is a known mechanism of disease for this gene associated with truncating variants (PMID: 24334604). (N) 0104 - Dominant Negative is a mechanism of disease for this gene associated with glycine substitutions (PMID: 24334769). (N) 0108 - This gene is known to be associated with both recessive and dominant disease. Reports are predominantly dominant inheritance, however a homozygous truncating variant has been reported once (PMID: 24334604). (N) 0200 - Variant is predicted to result in a missense amino acid change from glycine to aspartic acid (exon 56). (N) 0251 - Variant is heterozygous. (N) 0301 - Variant is absent from gnomAD. (P) 0501 - Missense variant consistently predicted to be damaging by multiple in silico tools or highly conserved with a major amino acid change. (P) 0601 - Variant affects at least one well-established (essential) functional domain or motif (G of the G-X-Y repeat, within the triple helix of a collagen domain; NCBI, PDB, Decipher). (P) 0705 - No comparable variants have previous evidence for pathogenicity. (N) 0807 - Variant has not previously been reported in a clinical context. (N) 0905 - No segregation evidence has been identified for this variant. (N) 1007 - No published functional evidence has been identified for this variant. (N) 1208 - Inheritance information for this variant is not currently available. (N) Legend: (P) - Pathogenic, (N) - Neutral, (B) - Benign

Literature cited by the submitters: PubMed 24334604; PubMed 24334769.